The following is an entry in ClinVar:

ClinVar aggregate classification (germline): Conflicting classifications of pathogenicity. Review status: criteria provided, conflicting classifications (1 of 4 stars). 2 submissions from 2 submitters: Uncertain significance (1); Likely benign (1). Last evaluated 2025-10-01.

Conditions:
Inborn genetic diseases. Identifiers: MedGen C0950123, MeSH D030342.

Allele frequency attached by ClinVar (database versions not stated): TOPMed below 0.00001; ExAC 0.00001; gnomAD exomes 0.00001; 1000 Genomes Project 30x 0.00016; 1000 Genomes Project 0.00020.
gnomAD v4.1: 14 of 1,614,014 alleles (0.00087%); highest among the groups gnomAD compares: Middle Eastern, 0.033%; 1 homozygote.

Submissions (2):

CeGaT Center for Human Genetics Tuebingen
Classification: Likely benign. Last evaluated: 2025-10-01. Review status: criteria provided, single submitter. Criteria: CeGaT Center For Human Genetics Tuebingen Variant Classification Criteria Version 2. Collection method: clinical testing. Allele origin: germline. Affected: yes. Observed: 1 variant allele.
Comment: MED13: BP4

Ambry Genetics
Classification: Uncertain significance for Inborn genetic diseases. Last evaluated: 2021-06-11. Review status: criteria provided, single submitter. Criteria: Ambry Variant Classification Scheme 2023. Collection method: clinical testing. Allele origin: germline.

NM_005121.3(MED13):c.4270A>G (p.Lys1424Glu)

Gene: MED13 (mediator complex subunit 13; minus strand). Cytogenetic location: 17q23.2.
Variant type: single nucleotide variant.
Coding change: c.4270A>G on transcript NM_005121.3 (MANE Select); coding-DNA position 4270, A replaced by G.
Protein change: p.Lys1424Glu; replaces lysine 1424 with glutamic acid.
Molecular consequence: missense variant.
Genome position (GRCh38, 1-based): chr17:61,966,573, T>C on the plus strand (A>G on the coding strand, the complement: MED13 is on the minus strand). VCF-style: chr17-61966573-T-C. GRCh37 (hg19) VCF-style: chr17-60043934-T-C.
Other names: short protein forms K1424E.
Identifiers: ClinVar variation 2231364 (VCV002231364.8), dbSNP rs539921712, ClinGen allele CA8692473.